The following is an entry in ClinVar:

NM_032436.4(CHAMP1):c.1229A>G (p.Lys410Arg)

Gene: CHAMP1 (chromosome alignment maintaining phosphoprotein 1; plus strand). Cytogenetic location: 13q34.
Variant type: single nucleotide variant.
Coding change: c.1229A>G on transcript NM_032436.4 (MANE Select); coding-DNA position 1229, A replaced by G.
Protein change: p.Lys410Arg; replaces lysine 410 with arginine.
Molecular consequence: missense variant.
Genome position (GRCh38, 1-based): chr13:114,325,071, A>G. VCF-style: chr13-114325071-A-G. GRCh37 (hg19) VCF-style: chr13-115090546-A-G.
Other names: c.1229A>G, p.Lys410Arg (NM_001164144.3, NM_001164145.3); short protein forms K410R.
Identifiers: ClinVar variation 2507226 (VCV002507226.1), dbSNP rs2503201056, ClinGen allele CA388848178.

ClinVar aggregate classification (germline): Uncertain significance (1 of 4 stars; one submission).

Submission:

GeneDx
Classification: Uncertain significance. Last evaluated: 2023-01-03. Review status: criteria provided, single submitter. Criteria: GeneDx Variant Classification Process June 2021. Collection method: clinical testing. Allele origin: germline. Affected: yes.
Comment: Not observed at significant frequency in large population cohorts (gnomAD); In silico analysis supports that this missense variant does not alter protein structure/function; Has not been previously published as pathogenic or benign to our knowledge